The following is an entry in ClinVar:

ClinVar aggregate classification (germline): Uncertain significance (1 of 4 stars; one submission).

Conditions:
Hajdu-Cheney syndrome (HJCYS). Also called: ACROOSTEOLYSIS WITH OSTEOPOROSIS AND CHANGES IN SKULL AND MANDIBLE; Acroosteolysis dominant type; SERPENTINE FIBULA-POLYCYSTIC KIDNEY SYNDROME. Identifiers: Orphanet 955, MedGen C0917715, MONDO:0007057, OMIM 102500.

Allele frequency attached by ClinVar (database versions not stated): TOPMed 0.00001.
gnomAD v4.1: 3 of 1,614,210 alleles (0.00019%); highest among the groups gnomAD compares: Non-Finnish European, 0.00025%; no homozygotes.

Submission:

Labcorp Genetics (formerly Invitae), Labcorp
Classification: Uncertain significance for Hajdu-Cheney syndrome. Last evaluated: 2024-10-28. Review status: criteria provided, single submitter. Criteria: Invitae Variant Classification Sherloc (09022015). Collection method: clinical testing. Allele origin: germline.
Comment: This sequence change replaces aspartic acid, which is acidic and polar, with asparagine, which is neutral and polar, at codon 911 of the NOTCH2 protein (p.Asp911Asn). This variant is not present in population databases (gnomAD no frequency). This variant has not been reported in the literature in individuals affected with NOTCH2-related conditions. Invitae Evidence Modeling of protein sequence and biophysical properties (such as structural, functional, and spatial information, amino acid conservation, physicochemical variation, residue mobility, and thermodynamic stability) indicates that this missense variant is not expected to disrupt NOTCH2 protein function with a negative predictive value of 80%. In summary, the available evidence is currently insufficient to determine the role of this variant in disease. Therefore, it has been classified as a Variant of Uncertain Significance.

NM_024408.4(NOTCH2):c.2731G>A (p.Asp911Asn)

Gene: NOTCH2 (notch receptor 2; minus strand). Cytogenetic location: 1p12.
Variant type: single nucleotide variant.
Coding change: c.2731G>A on transcript NM_024408.4 (MANE Select); coding-DNA position 2731, G replaced by A.
Protein change: p.Asp911Asn; replaces aspartic acid 911 with asparagine.
Molecular consequence: missense variant.
Genome position (GRCh38, 1-based): chr1:119,948,435, C>T on the plus strand (G>A on the coding strand, the complement: NOTCH2 is on the minus strand). VCF-style: chr1-119948435-C-T. GRCh37 (hg19) VCF-style: chr1-120491058-C-T.
Other names: c.2731G>A, p.Asp911Asn (NM_001200001.2); short protein forms D911N.
Identifiers: ClinVar variation 2817381 (VCV002817381.3), dbSNP rs1353475244, ClinGen allele CA341858359.
Genomic context (GRCh38, chr1:119,948,435, plus strand): 5'-CTCTCCTCTGGGGGCTTAAGAGCTGACTGGCATACTCACTGGCAAGGCAGTCATCAATGT[C>T]CTCCTCACAGTCCATACCACTGAAGCCTGGTGGACATTCACACATGTAGCTGCCCTGGGT-3'
Protein context (NP_077719.2, residues 901-921): PGFSGMDCEE[Asp911Asn]IDDCLANPCQ